The following is an entry in ClinVar:

ClinVar aggregate classification (germline): Pathogenic/Likely pathogenic. Review status: criteria provided, multiple submitters, no conflicts (2 of 4 stars). 10 submissions from 10 submitters: Pathogenic (6); Likely pathogenic (3). 1 of the submissions does not count toward it. Last evaluated 2025-12-12.

Conditions:
Myosin storage myopathy (CMYO7A). Also called: MYOPATHY, HYALINE BODY, AUTOSOMAL DOMINANT; Scapuloperoneal myopathy, MYH7-related; SCAPULOPERONEAL MUSCULAR DYSTROPHY; SCAPULOPERONEAL SYNDROME, MYOPATHIC TYPE; MYOPATHY WITH LYSIS OF TYPE I MYOFIBRILS; MYH7-related late-onset scapuloperoneal muscular dystrophy. Identifiers: Orphanet 437572, Orphanet 636965, MedGen C1842160, MONDO:0008409, OMIM 608358.
Myopathy, myosin storage, autosomal recessive (CMYO7B). Also called: CONGENITAL MYOPATHY 7B, MYOSIN STORAGE, AUTOSOMAL RECESSIVE. Identifiers: Orphanet 636970, MedGen C1850709, MONDO:0009708, OMIM 255160.
MYH7-related skeletal myopathy. Also called: Myopathy, distal, 1; Laing distal myopathy; MYOPATHY, DISTAL, EARLY-ONSET, AUTOSOMAL DOMINANT; MYOPATHY, LATE DISTAL HEREDITARY; Laing early-onset distal myopathy. Identifiers: Orphanet 59135, MedGen C4552004, MONDO:0008050, OMIM 160500.
Hypertrophic cardiomyopathy 1 (CMH1). Also called: MYH7-Related Familial Hypertrophic Cardiomyopathy; Familial hypertrophic cardiomyopathy 1. Identifiers: MedGen C3495498, MONDO:0008647, OMIM 192600.
Dilated cardiomyopathy 1S (CMD1S). Identifiers: Orphanet 154, Orphanet 54260, MedGen C1834481, MONDO:0013262, OMIM 613426.
Familial cardiomyopathy. Identifiers: MedGen C0264789, MONDO:0005217.
Primary dilated cardiomyopathy (DCM). Also called: Dilated Cardiomyopathy. Identifiers: Orphanet 217604, MedGen C0007193, MeSH D002311, MONDO:0005021, HP:0001644. Inheritance: Various modes of inheritance.
Hypertrophic cardiomyopathy. Also called: HYPERTROPHIC MYOCARDIOPATHY. Identifiers: Orphanet 217569, MedGen C0007194, MeSH D002312, MONDO:0005045, HP:0001639.

Submissions (10):

Center for Molecular Medicine, Children’s Hospital of Fudan University
Classification: Likely pathogenic for Dilated cardiomyopathy 1S. Last evaluated: 2025-12-12. Review status: criteria provided, single submitter. Criteria: ACMG Guidelines 2015. Collection method: clinical testing. Allele origin: unknown. Affected: yes.
Comment: PS4+PP3_Moderate

Labcorp Genetics (formerly Invitae), Labcorp
Classification: Pathogenic for Hypertrophic cardiomyopathy. Last evaluated: 2025-10-17. Review status: criteria provided, single submitter. Criteria: Invitae Variant Classification Sherloc (09022015). Collection method: clinical testing. Allele origin: germline.
Comment: This sequence change replaces glutamic acid, which is acidic and polar, with lysine, which is basic and polar, at codon 525 of the MYH7 protein (p.Glu525Lys). This variant is not present in population databases (gnomAD no frequency). This missense change has been observed in individual(s) with dilated cardiomyopathy (PMID: 22464770; internal data). In at least one individual the variant was observed to be de novo. ClinVar contains an entry for this variant (Variation ID: 132925). Invitae Evidence Modeling of protein sequence and biophysical properties (such as structural, functional, and spatial information, amino acid conservation, physicochemical variation, residue mobility, and thermodynamic stability) indicates that this missense variant is expected to disrupt MYH7 protein function with a positive predictive value of 95%. For these reasons, this variant has been classified as Pathogenic.

GeneDx
Classification: Pathogenic. Last evaluated: 2024-01-16. Review status: criteria provided, single submitter. Criteria: GeneDx Variant Classification Process June 2021. Collection method: clinical testing. Allele origin: germline. Affected: yes.
Comment: Reported in a South Indian family with four members diagnosed with HCM between 3-18 years of age and all four affected individuals were heterozygous for this variant and the S215L variant in the TPM1 gene, and homozygous for the D896N variant in the MYH7 gene (PMID: 25607779); In silico analysis supports that this missense variant has a deleterious effect on protein structure/function; Not observed at significant frequency in large population cohorts (gnomAD); This variant is associated with the following publications: (PMID: 27532257, 24503780, 29300372, 22464770, 34935411, 33500567, 25607779)

Laboratory for Molecular Medicine, Mass General Brigham Personalized Medicine
Classification: Pathogenic for Primary dilated cardiomyopathy. Last evaluated: 2020-12-02. Review status: criteria provided, single submitter. Criteria: LMM Criteria. Collection method: clinical testing. Allele origin: germline. Inheritance: Autosomal dominant inheritance. Observed: 2 variant alleles.
Comment: The p.Glu525Lys variant in MYH7 has been reported as a de novo variant in at least 3 individuals with dilated cardiomyopathy (Lakdawala 2012 PMID: 22464770, LMM data, Invitae data, pers comm.). It was absent from large population studies. Of note, this variant lies in the head region of the protein. Missense variants in this region have been reported and statistically indicated to be more likely to cause disease (Walsh 2016 PMID: 19864899). This variant has also been reported in ClinVar (Variation ID 132925). Computational prediction tools and conservation analyses do not provide strong support for or against an impact to the protein. In summary, this variant meets criteria to be classified as pathogenic for autosomal dominant cardiomyopathy. ACMG/AMP Criteria applied: PS2_VeryStrong, PM1, PM2_Supporting, PS4_Supporting.

New York Genome Center
Classification: Likely pathogenic for Dilated cardiomyopathy 1S. Last evaluated: 2019-07-11. Review status: criteria provided, single submitter. Criteria: NYGC Assertion Criteria 2020. Collection method: clinical testing. Allele origin: germline. Affected: yes. Observed: 1 heterozygote. Study: CSER-NYCKidSeq.
Comment: The c.1573G>A, p.Glu525Lys missense variant identified in the MYH7 gene has been reported as de novo in at least two patients with infantile-onset dilated cardiomyopathy [PMID:27532257; PMID: 22464770]. This variant is not reported in gnomAD database indicating this is a rare variant. This variant lies in the head region of the protein. Missense variants in this region have been reported and statistically indicated to be more likely to cause disease [PMID:27532257]. Based on the available evidence, the p.Glu525Lys variant in the MYH7 gene is classified as likely pathogenic.

Institute of Human Genetics Munich, TUM University Hospital
Classification: Pathogenic for Dilated cardiomyopathy 1S. Last evaluated: 2017-11-08. Review status: criteria provided, single submitter. Criteria: Classification criteria August 2017. Collection method: clinical testing. Allele origin: de novo. Inheritance: Autosomal dominant inheritance. Affected: yes. Observed: 1 heterozygote.

Stanford Center for Inherited Cardiovascular Disease, Stanford University
Classification: Likely pathogenic. Last evaluated: 2017-06-21. Review status: criteria provided, single submitter. Criteria: ACMG Guidelines, 2015. Collection method: provider interpretation. Allele origin: germline.

Molecular Genetics Lab, CHRU Brest
Classification: Pathogenic for Dilated cardiomyopathy 1S; Myosin storage myopathy; Myopathy, myosin storage, autosomal recessive; Hypertrophic cardiomyopathy 1; MYH7-related skeletal myopathy. Review status: criteria provided, single submitter. Criteria: ACMG Guidelines, 2015. Collection method: clinical testing. Allele origin: de novo. Affected: yes.

Victorian Clinical Genetics Services, Murdoch Childrens Research Institute
Classification: Pathogenic for Dilated cardiomyopathy 1S. Review status: criteria provided, single submitter. Criteria: ACMG Guidelines, 2015. Collection method: clinical testing. Allele origin: de novo. Affected: yes.
Comment: - Variant is absent from gnomAD (both v2 and v3). - Missense variant consistently predicted to be damaging by multiple in silico tools or highly conserved with a major amino acid change. - Variant is located in a hotspot region or cluster of pathogenic variants. This variant is found within the head region, which is enriched with pathogenic missense variants (PMID: 29300372). - This variant has strong previous evidence of pathogenicity in unrelated individuals. This variant has been reported multiple times as likely pathogenic and pathogenic, and observed in individuals with dilated cardiomyopathy. In several individuals, the variant had been shown to be de novo (ClinVar, PMID: 22464770, PMID: 29892087). Additional information: - The mechanism of disease for this gene is not clearly established, however, missense variants have been proposed to act in a dominant negative manner (PMID: 24714796). - This gene is associated with both recessive and dominant disease. Pathogenic variants in this gene are usually heterozygous, however a recessive inheritance pattern has been observed in severe cases (OMIM). - The condition associated with this gene has incomplete penetrance (PMID: 29300372). - Variant is predicted to result in a missense amino acid change from glutamic acid to lysine. - This variant is heterozygous. - An alternative amino acid change at the same position has been observed in gnomAD (v2) (1 heterozygote, 0 homozygotes).

Evolutionary and Medical Genetics Laboratory,  Centre for Cellular and Molecular Biology
Classification: Pathogenic. Review status: no assertion criteria provided. Collection method: not provided. Allele origin: unknown. Not counted in ClinVar's aggregate classification.
Comment: Missense mutation/Non-synonymous
ClinVar note: Converted during submission from pathogenic to Pathogenic.

Literature cited by the submitters: PubMed 22464770 (cited by Labcorp Genetics (formerly Invitae), Labcorp and Laboratory for Molecular Medicine, Mass General Brigham Personalized Medicine); PubMed 27532257 (cited by Laboratory for Molecular Medicine, Mass General Brigham Personalized Medicine); PubMed 25607779 (cited by Laboratory for Molecular Medicine, Mass General Brigham Personalized Medicine); PubMed 19864899 (cited by Laboratory for Molecular Medicine, Mass General Brigham Personalized Medicine).

NM_000257.4(MYH7):c.1573G>A (p.Glu525Lys)

Gene: MYH7 (myosin heavy chain 7; minus strand). Cytogenetic location: 14q11.2.
Variant type: single nucleotide variant.
Coding change: c.1573G>A on transcript NM_000257.4 (MANE Select); coding-DNA position 1573, G replaced by A.
Protein change: p.Glu525Lys; replaces glutamic acid 525 with lysine.
Molecular consequence: missense variant.
Genome position (GRCh38, 1-based): chr14:23,428,505, C>T on the plus strand (G>A on the coding strand, the complement: MYH7 is on the minus strand). VCF-style: chr14-23428505-C-T. GRCh37 (hg19) VCF-style: chr14-23897714-C-T.
Other names: I524K; short protein forms E525K.
Identifiers: ClinVar variation 132925 (VCV000132925.25), dbSNP rs606231324, ClinGen allele CA010981.